The following is an entry in ClinVar:

NM_006393.3(NEBL):c.1330G>A (p.Ala444Thr)

Gene: NEBL (nebulette; minus strand). Cytogenetic location: 10p12.31.
Variant type: single nucleotide variant.
Coding change: c.1330G>A on transcript NM_006393.3 (MANE Select); coding-DNA position 1330, G replaced by A.
Protein change: p.Ala444Thr; replaces alanine 444 with threonine.
Molecular consequence: missense variant. On other transcripts: intron variant (9).
Genome position (GRCh38, 1-based): chr10:20,840,747, C>T on the plus strand (G>A on the coding strand, the complement: NEBL is on the minus strand). VCF-style: chr10-20840747-C-T. GRCh37 (hg19) VCF-style: chr10-21129676-C-T.
Other names: c.250-27807G>A (NM_001377326.1, NM_001377327.1, NM_001377328.1); c.358-27807G>A (NM_213569.2, NM_001173484.2, NM_001377322.1); c.301-27807G>A (NM_001377324.1); c.292-27807G>A (NM_001377325.1); c.310-27807G>A (NM_001377323.1); short protein forms A444T.
Identifiers: ClinVar variation 4556737 (VCV004556737.1).

ClinVar aggregate classification (germline): Uncertain significance (1 of 4 stars; one submission).

gnomAD v4.1: 17 of 1,605,128 alleles (0.0011%); highest among the groups gnomAD compares: Non-Finnish European, 0.0014%; no homozygotes.

Submission:

Ambry Genetics
Classification: Uncertain significance. Last evaluated: 2025-11-10. Review status: criteria provided, single submitter. Criteria: Ambry Variant Classification Scheme 2023. Collection method: clinical testing. Allele origin: germline.
Comment: The p.A444T variant (also known as c.1330G>A), located in coding exon 13 of the NEBL gene, results from a G to A substitution at nucleotide position 1330. The alanine at codon 444 is replaced by threonine, an amino acid with similar properties. This amino acid position is conserved. In addition, this alteration is predicted to be tolerated by in silico analysis. Based on the available evidence, the clinical significance of this variant remains unclear.